The following is an entry in ClinVar:

ClinVar aggregate classification (germline): Uncertain significance. Review status: criteria provided, single submitter (1 of 4 stars). 2 submissions from 2 submitters: Uncertain significance (1). 1 of the submissions does not count toward it. Last evaluated 2021-08-31.

Conditions:
Neuronal ceroid lipofuscinosis 1 (CLN1). Also called: CEROID LIPOFUSCINOSIS, NEURONAL, 1, VARIABLE AGE AT ONSET; PPT1-Related Neuronal Ceroid-Lipofuscinosis. Identifiers: Orphanet 228329, MedGen C1850451, MONDO:0009744, OMIM 256730.

Allele frequency attached by ClinVar (database versions not stated): gnomAD 0.00001.
gnomAD v4.1: 15 of 1,613,932 alleles (0.00093%); highest among the groups gnomAD compares: Non-Finnish European, 0.0013%; no homozygotes.

Submissions (2):

Labcorp Genetics (formerly Invitae), Labcorp
Classification: Uncertain significance for Neuronal ceroid lipofuscinosis 1. Last evaluated: 2021-08-31. Review status: criteria provided, single submitter. Criteria: Invitae Variant Classification Sherloc (09022015). Collection method: clinical testing. Allele origin: germline.
Comment: This sequence change replaces tryptophan with glycine at codon 17 of the PPT1 protein (p.Trp17Gly). The tryptophan residue is weakly conserved and there is a large physicochemical difference between tryptophan and glycine. This variant is not present in population databases (ExAC no frequency). This variant has not been reported in the literature in individuals affected with PPT1-related conditions. Algorithms developed to predict the effect of missense changes on protein structure and function output the following: SIFT: "Tolerated"; PolyPhen-2: "Benign"; Align-GVGD: "Class C0". The glycine amino acid residue is found in multiple mammalian species, which suggests that this missense change does not adversely affect protein function. Algorithms developed to predict the effect of sequence changes on RNA splicing suggest that this variant may create or strengthen a splice site. In summary, the available evidence is currently insufficient to determine the role of this variant in disease. Therefore, it has been classified as a Variant of Uncertain Significance.

Natera, Inc.
Classification: Uncertain significance for Neuronal ceroid lipofuscinosis 1. Last evaluated: 2020-09-16. Review status: no assertion criteria provided. Collection method: clinical testing. Allele origin: germline. Not counted in ClinVar's aggregate classification.

NM_000310.4(PPT1):c.49T>G (p.Trp17Gly)

Gene: PPT1 (palmitoyl-protein thioesterase 1; minus strand). Cytogenetic location: 1p34.2.
Variant type: single nucleotide variant.
Coding change: c.49T>G on transcript NM_000310.4 (MANE Select); coding-DNA position 49, T replaced by G.
Protein change: p.Trp17Gly; replaces tryptophan 17 with glycine.
Molecular consequence: missense variant.
Genome position (GRCh38, 1-based): chr1:40,097,190, A>C on the plus strand (T>G on the coding strand, the complement: PPT1 is on the minus strand). VCF-style: chr1-40097190-A-C. GRCh37 (hg19) VCF-style: chr1-40562862-A-C.
Other names: c.49T>G, p.Trp17Gly (NM_001142604.2, NM_001363695.2); short protein forms W17G.
Identifiers: ClinVar variation 844997 (VCV000844997.7), dbSNP rs775853398, ClinGen allele CA339850796.
Genomic context (GRCh38, chr1:40,097,190, plus strand): 5'-TCACCAACGGCAGCGGCGCCGGCGGGTCCAGATGCTGCAGCGCCCGAGAAGCGCAGGTCC[A>C]TGGCAGGAGAGCCACAGCCAAGAGCCACAGGCAGCCGGGCGACGCCATCTTCGCTGTGTC-3'
Protein context (NP_000301.1, residues 7-27): LWLLAVALLP[Trp17Gly]TCASRALQHL